The following is an entry in ClinVar:

NM_024407.5(NDUFS7):c.-8A>C

Gene: NDUFS7 (NADH:ubiquinone oxidoreductase core subunit S7; plus strand). Cytogenetic location: 19p13.3.
Variant type: single nucleotide variant.
Coding change: c.-8A>C on transcript NM_024407.5 (MANE Select); 8 bases upstream of the start codon, A replaced by C.
Molecular consequence: 5 prime UTR variant.
Genome position (GRCh38, 1-based): chr19:1,383,919, A>C. VCF-style: chr19-1383919-A-C. GRCh37 (hg19) VCF-style: chr19-1383918-A-C.
Other names: c.-8A>C (NM_001363602.2).
Identifiers: ClinVar variation 510979 (VCV000510979.2), dbSNP rs371032334, ClinGen allele CA9042982.

ClinVar aggregate classification (germline): Likely benign. Review status: criteria provided, multiple submitters, no conflicts (2 of 4 stars). 2 submissions from 2 submitters: Likely benign (2). Last evaluated 2024-10-22.

Allele frequency attached by ClinVar (database versions not stated): gnomAD exomes 0.00015 and 0.00038; ExAC 0.00107; 1000 Genomes Project 30x 0.00109; 1000 Genomes Project 0.00120; gnomAD 0.00146 and 0.00160; TOPMed 0.00165; ESP Exome Variant Server 0.00219.
gnomAD v4.1: 442 of 1,581,378 alleles (0.028%); highest among the groups gnomAD compares: African/African-American, 0.55%; no homozygotes.

Submissions (2):

Blueprint Genetics
Classification: Likely benign. Last evaluated: 2024-10-22. Review status: criteria provided, single submitter. Criteria: ACMG Guidelines, 2015. Collection method: clinical testing. Allele origin: germline.

GeneDx
Classification: Likely benign. Last evaluated: 2018-02-26. Review status: criteria provided, single submitter. Criteria: GeneDx Variant Classification (06012015). Collection method: clinical testing. Allele origin: germline. Affected: yes.
Comment: This variant is considered likely benign or benign based on one or more of the following criteria: it is a conservative change, it occurs at a poorly conserved position in the protein, it is predicted to be benign by multiple in silico algorithms, and/or has population frequency not consistent with disease.